The following is an entry in ClinVar:

NM_057175.5(NAA15):c.1881_1882insCC (p.Lys628fs)

Gene: NAA15 (N-alpha-acetyltransferase 15, NatA auxiliary subunit; plus strand). Cytogenetic location: 4q31.1.
Variant type: Insertion.
Coding change: c.1881_1882insCC on transcript NM_057175.5 (MANE Select); coding-DNA positions 1881 to 1882, CC inserted.
Protein change: p.Lys628fs; shifts the reading frame from lysine 628.
Molecular consequence: frameshift variant.
Genome position: GRCh38 VCF-style: chr4-139370338-G-GCC. GRCh37 (hg19) VCF-style: chr4-140291492-G-GCC.
Other names: c.1881_1882insCC, p.Lys628fs (NM_001410842.1); short protein forms K628fs.
Identifiers: ClinVar variation 3382793 (VCV003382793.2).

ClinVar aggregate classification (germline): Pathogenic (1 of 4 stars; one submission).

Conditions:
Intellectual developmental disorder, autosomal dominant 50, with behavioral abnormalities. Also called: Intellectual disability, autosomal dominant 50; MENTAL RETARDATION, AUTOSOMAL DOMINANT 50. Identifiers: MedGen C4540470, MONDO:0030916, OMIM 617787.

Submission:

Juno Genomics, Hangzhou Juno Genomics, Inc
Classification: Pathogenic for Intellectual developmental disorder, autosomal dominant 50, with behavioral abnormalities. Review status: criteria provided, single submitter. Criteria: ACMG Guidelines, 2015. Collection method: clinical testing. Allele origin: germline. Affected: yes.
Comment: Absent from controls (or at extremely low frequency if recessive) in Genome Aggregation Database, Exome Sequencing Project, 1000 Genomes Project, or Exome Aggregation Consortium.;De novo (both maternity and paternity confirmed) in a patient with the disease and no family history.;Null variant in a gene where loss of function (LOF) is a known mechanism of disease.